The following is an entry in ClinVar:

ClinVar aggregate classification (germline): Uncertain significance (1 of 4 stars; one submission).

Conditions:
Hereditary cancer-predisposing syndrome. Also called: Tumor predisposition; Hereditary neoplastic syndrome; Hereditary Cancer Syndrome; Neoplastic Syndromes, Hereditary. Identifiers: Orphanet 140162, MedGen C0027672, MeSH D009386, MONDO:0015356.

Submission:

Color Diagnostics, LLC DBA Color Health
Classification: Uncertain significance for Hereditary cancer-predisposing syndrome. Last evaluated: 2024-03-07. Review status: criteria provided, single submitter. Criteria: ACMG Guidelines, 2015. Collection method: clinical testing. Allele origin: germline.
Comment: This missense variant replaces threonine with lysine at codon 784 of the ATM protein. Computational prediction suggests that this variant may not impact protein structure and function (internally defined REVEL score threshold <= 0.5, PMID: 27666373). To our knowledge, functional studies have not been reported for this variant. This variant has not been reported in individuals affected with hereditary cancer in the literature. This variant has not been identified in the general population by the Genome Aggregation Database (gnomAD). The available evidence is insufficient to determine the role of this variant in disease conclusively. Therefore, this variant is classified as a Variant of Uncertain Significance.

NM_000051.4(ATM):c.2351C>A (p.Thr784Lys)

Gene: ATM (ATM serine/threonine kinase; plus strand). Cytogenetic location: 11q22.3.
Variant type: single nucleotide variant.
Coding change: c.2351C>A on transcript NM_000051.4 (MANE Select); coding-DNA position 2351, C replaced by A.
Protein change: p.Thr784Lys; replaces threonine 784 with lysine.
Molecular consequence: missense variant.
Genome position (GRCh38, 1-based): chr11:108,257,581, C>A. VCF-style: chr11-108257581-C-A. GRCh37 (hg19) VCF-style: chr11-108128308-C-A.
Other names: c.2351C>A, p.Thr784Lys (NM_001351834.2); short protein forms T784K.
Identifiers: ClinVar variation 1171677 (VCV001171677.3), dbSNP rs2135407791, ClinGen allele CA382540269.